The following is an entry in ClinVar:

NM_000051.4(ATM):c.1707C>A (p.Ser569Arg)

Gene: ATM (ATM serine/threonine kinase; plus strand). Cytogenetic location: 11q22.3.
Variant type: single nucleotide variant.
Coding change: c.1707C>A on transcript NM_000051.4 (MANE Select); coding-DNA position 1707, C replaced by A.
Protein change: p.Ser569Arg; replaces serine 569 with arginine.
Molecular consequence: missense variant.
Genome position (GRCh38, 1-based): chr11:108,251,936, C>A. VCF-style: chr11-108251936-C-A. GRCh37 (hg19) VCF-style: chr11-108122663-C-A.
Other names: c.1707C>A, p.Ser569Arg (NM_001351834.2); short protein forms S569R.
Identifiers: ClinVar variation 1778470 (VCV001778470.2), dbSNP rs1381837075, ClinGen allele CA382535250.
Genomic context (GRCh38, chr11:108,251,936, plus strand): 5'-TATAGTTCCAGGAACGGTAAAAATGGGAATAGAGCAAAATATGTGTGAAGTAAATAGAAG[C>A]TTTTCTTTAAAGGAATCAATAATGAAATGGCTCTTATTCTATCAGTTAGAGGGTGACTTA-3'
Protein context (NP_000042.3, residues 559-579): IEQNMCEVNR[Ser569Arg]FSLKESIMKW

ClinVar aggregate classification (germline): Uncertain significance (1 of 4 stars; one submission).

Conditions:
Hereditary cancer-predisposing syndrome. Also called: Neoplastic Syndromes, Hereditary; Tumor predisposition; Hereditary Cancer Syndrome; Hereditary neoplastic syndrome. Identifiers: Orphanet 140162, MedGen C0027672, MeSH D009386, MONDO:0015356.

Submission:

Ambry Genetics
Classification: Uncertain significance for Hereditary cancer-predisposing syndrome. Last evaluated: 2019-09-28. Review status: criteria provided, single submitter. Criteria: Ambry Variant Classification Scheme 2023. Collection method: clinical testing. Allele origin: germline.
Comment: The p.S569R variant (also known as c.1707C>A), located in coding exon 10 of the ATM gene, results from a C to A substitution at nucleotide position 1707. The serine at codon 569 is replaced by arginine, an amino acid with dissimilar properties. This amino acid position is not well conserved in available vertebrate species. In addition, this alteration is predicted to be tolerated by in silico analysis. Since supporting evidence is limited at this time, the clinical significance of this alteration remains unclear.